The following is an entry in ClinVar:

NM_001080414.4(CCDC88C):c.3811G>A (p.Glu1271Lys)

Gene: CCDC88C (coiled-coil domain containing 88C; minus strand). Cytogenetic location: 14q32.11.
Variant type: single nucleotide variant.
Coding change: c.3811G>A on transcript NM_001080414.4 (MANE Select); coding-DNA position 3811, G replaced by A.
Protein change: p.Glu1271Lys; replaces glutamic acid 1271 with lysine.
Molecular consequence: missense variant.
Genome position (GRCh38, 1-based): chr14:91,297,460, C>T on the plus strand (G>A on the coding strand, the complement: CCDC88C is on the minus strand). VCF-style: chr14-91297460-C-T. GRCh37 (hg19) VCF-style: chr14-91763804-C-T.
Other names: short protein forms E1271K.
Identifiers: ClinVar variation 2173534 (VCV002173534.3), dbSNP rs766034023, ClinGen allele CA7309203.

ClinVar aggregate classification (germline): Uncertain significance. Review status: criteria provided, multiple submitters, no conflicts (2 of 4 stars). 2 submissions from 2 submitters: Uncertain significance (2). Last evaluated 2024-06-17.

Allele frequency attached by ClinVar (database versions not stated): gnomAD 0.00003; TOPMed 0.00003; ExAC 0.00006.
gnomAD v4.1: 43 of 1,569,690 alleles (0.0027%); highest among the groups gnomAD compares: Non-Finnish European, 0.0037%; no homozygotes.

Submissions (2):

Labcorp Genetics (formerly Invitae), Labcorp
Classification: Uncertain significance. Last evaluated: 2024-06-17. Review status: criteria provided, single submitter. Criteria: Invitae Variant Classification Sherloc (09022015). Collection method: clinical testing. Allele origin: germline.
Comment: This sequence change replaces glutamic acid, which is acidic and polar, with lysine, which is basic and polar, at codon 1271 of the CCDC88C protein (p.Glu1271Lys). This variant is present in population databases (rs766034023, gnomAD 0.01%). This variant has not been reported in the literature in individuals affected with CCDC88C-related conditions. ClinVar contains an entry for this variant (Variation ID: 2173534). An algorithm developed to predict the effect of missense changes on protein structure and function (PolyPhen-2) suggests that this variant is likely to be disruptive. In summary, the available evidence is currently insufficient to determine the role of this variant in disease. Therefore, it has been classified as a Variant of Uncertain Significance.

Women's Health and Genetics/Laboratory Corporation of America, LabCorp
Classification: Uncertain significance. Last evaluated: 2023-11-03. Review status: criteria provided, single submitter. Criteria: LabCorp Variant Classification Summary - May 2015. Collection method: clinical testing. Allele origin: germline.
Comment: Variant summary: CCDC88C c.3811G>A (p.Glu1271Lys) results in a conservative amino acid change in the encoded protein sequence. Three of five in-silico tools predict a damaging effect of the variant on protein function. The variant allele was found at a frequency of 2.8e-05 in 177552 control chromosomes (gnomAD). The available data on variant occurrences in the general population are insufficient to allow any conclusion about variant significance. To our knowledge, no occurrence of c.3811G>A in individuals affected with CCDC88C-Related Disorders and no experimental evidence demonstrating its impact on protein function have been reported. One submitter has cited a clinical-significance assessment for this variant to ClinVar after 2014 and has classified the variant as uncertain significance. Based on the evidence outlined above, the variant was classified as uncertain significance.